The following is an entry in ClinVar:

NM_001040716.2(PC):c.1519G>A (p.Val507Ile)

Gene: PC (pyruvate carboxylase; minus strand). Cytogenetic location: 11q13.2.
Variant type: single nucleotide variant.
Coding change: c.1519G>A on transcript NM_001040716.2 (MANE Select); coding-DNA position 1519, G replaced by A.
Protein change: p.Val507Ile; replaces valine 507 with isoleucine.
Molecular consequence: missense variant.
Genome position (GRCh38, 1-based): chr11:66,852,831, C>T on the plus strand (G>A on the coding strand, the complement: PC is on the minus strand). VCF-style: chr11-66852831-C-T. GRCh37 (hg19) VCF-style: chr11-66620302-C-T.
Other names: p.V507I:GTC>ATC; c.1519G>A, p.Val507Ile (NM_000920.4, NM_022172.3); short protein forms V507I.
Identifiers: ClinVar variation 203894 (VCV000203894.12), dbSNP rs555210692, ClinGen allele CA312842.

ClinVar aggregate classification (germline): Likely benign. Review status: criteria provided, multiple submitters, no conflicts (2 of 4 stars). 2 submissions from 2 submitters: Likely benign (2). Last evaluated 2026-01-28.

Conditions:
Pyruvate carboxylase deficiency. Also called: LEIGH NECROTIZING ENCEPHALOPATHY DUE TO PYRUVATE CARBOXYLASE DEFICIENCY; LEIGH SYNDROME DUE TO PYRUVATE CARBOXYLASE DEFICIENCY; PC DEFICIENCY; ATAXIA WITH LACTIC ACIDOSIS II; Pyruvate Carboxylase Deficiency Disease. Identifiers: Orphanet 3008, MedGen C0034341, MONDO:0009949, OMIM 266150.

Allele frequency attached by ClinVar (database versions not stated): gnomAD exomes 0.00001 and 0.00018; TOPMed 0.00002; gnomAD 0.00003 and 0.00005; ExAC 0.00027; 1000 Genomes Project 30x 0.00047; 1000 Genomes Project 0.00060.
gnomAD v4.1: 28 of 1,568,778 alleles (0.0018%); highest among the groups gnomAD compares: East Asian, 0.056%; no homozygotes.

Submissions (2):

Labcorp Genetics (formerly Invitae), Labcorp
Classification: Likely benign for Pyruvate carboxylase deficiency. Last evaluated: 2026-01-28. Review status: criteria provided, single submitter. Criteria: Invitae Variant Classification Sherloc (09022015). Collection method: clinical testing. Allele origin: germline.

GeneDx
Classification: Likely benign. Last evaluated: 2014-07-10. Review status: criteria provided, single submitter. Criteria: GeneDx Variant Classification (06012015). Collection method: clinical testing. Allele origin: germline. Affected: yes.
Comment: This variant is considered likely benign or benign based on one or more of the following criteria: it is a conservative change, it occurs at a poorly conserved position in the protein, it is predicted to be benign by multiple in silico algorithms, and/or has population frequency not consistent with disease.